The following is an entry in ClinVar:

ClinVar aggregate classification (germline): Uncertain significance (1 of 4 stars; one submission).

Submission:

GeneDx
Classification: Uncertain significance. Last evaluated: 2026-03-31. Review status: criteria provided, single submitter. Criteria: GeneDx Variant Classification Process June 2021. Collection method: clinical testing. Allele origin: germline.
Comment: Not observed at significant frequency in large population cohorts (gnomAD); In silico analysis supports that this missense variant has a deleterious effect on protein structure/function; Has not been previously published as pathogenic or benign to our knowledge; This variant is associated with the following publications: (PMID: 18184292)

NM_000702.4(ATP1A2):c.1056G>T (p.Lys352Asn)

Gene: ATP1A2 (ATPase Na+/K+ transporting subunit alpha 2; plus strand). Cytogenetic location: 1q23.2.
Variant type: single nucleotide variant.
Coding change: c.1056G>T on transcript NM_000702.4 (MANE Select); coding-DNA position 1056, G replaced by T.
Protein change: p.Lys352Asn; replaces lysine 352 with asparagine.
Molecular consequence: missense variant.
Genome position (GRCh38, 1-based): chr1:160,128,690, G>T. VCF-style: chr1-160128690-G-T. GRCh37 (hg19) VCF-style: chr1-160098480-G-T.
Other names: short protein forms K352N.
Identifiers: ClinVar variation 5018026 (VCV005018026.1).